The following is an entry in ClinVar:

NM_002474.3(MYH11):c.2080C>G (p.Leu694Val)

Gene: MYH11 (myosin heavy chain 11; minus strand). Cytogenetic location: 16p13.11.
Variant type: single nucleotide variant.
Coding change: c.2080C>G on transcript NM_002474.3 (MANE Select); coding-DNA position 2080, C replaced by G.
Protein change: p.Leu694Val; replaces leucine 694 with valine.
Molecular consequence: missense variant.
Genome position (GRCh38, 1-based): chr16:15,748,147, G>C on the plus strand (C>G on the coding strand, the complement: MYH11 is on the minus strand). VCF-style: chr16-15748147-G-C. GRCh37 (hg19) VCF-style: chr16-15842004-G-C.
Other names: c.2101C>G, p.Leu701Val (NM_001040113.2, NM_001040114.2); c.2080C>G, p.Leu694Val (NM_022844.3); short protein forms L694V, L701V.
Identifiers: ClinVar variation 2739063 (VCV002739063.3), dbSNP rs2506274807, ClinGen allele CA394868248.

ClinVar aggregate classification (germline): Uncertain significance (1 of 4 stars; one submission).

Conditions:
Aortic aneurysm, familial thoracic 4 (AAT4). Also called: AORTIC ANEURYSM/AORTIC DISSECTION AND PATENT DUCTUS ARTERIOSUS. Identifiers: MedGen C1851504, MONDO:0007568, OMIM 132900.

Submission:

Labcorp Genetics (formerly Invitae), Labcorp
Classification: Uncertain significance for Aortic aneurysm, familial thoracic 4. Last evaluated: 2023-07-07. Review status: criteria provided, single submitter. Criteria: Invitae Variant Classification Sherloc (09022015). Collection method: clinical testing. Allele origin: germline.
Comment: In summary, the available evidence is currently insufficient to determine the role of this variant in disease. Therefore, it has been classified as a Variant of Uncertain Significance. Advanced modeling of protein sequence and biophysical properties (such as structural, functional, and spatial information, amino acid conservation, physicochemical variation, residue mobility, and thermodynamic stability) performed at Invitae indicates that this missense variant is not expected to disrupt MYH11 protein function. This variant has not been reported in the literature in individuals affected with MYH11-related conditions. This variant is not present in population databases (gnomAD no frequency). This sequence change replaces leucine, which is neutral and non-polar, with valine, which is neutral and non-polar, at codon 701 of the MYH11 protein (p.Leu701Val).